The following is an entry in ClinVar:

NM_001172303.3(MASTL):c.871C>T (p.Leu291Phe)

Gene: MASTL (microtubule associated serine/threonine kinase like; plus strand). Cytogenetic location: 10p12.1.
Variant type: single nucleotide variant.
Coding change: c.871C>T on transcript NM_001172303.3 (MANE Select); coding-DNA position 871, C replaced by T.
Protein change: p.Leu291Phe; replaces leucine 291 with phenylalanine.
Molecular consequence: missense variant. On other transcripts: non-coding transcript variant (1).
Genome position (GRCh38, 1-based): chr10:27,167,161, C>T. VCF-style: chr10-27167161-C-T. GRCh37 (hg19) VCF-style: chr10-27456090-C-T.
Other names: p.Leu291Phe; c.871C>T, p.Leu291Phe (NM_001172304.3, NM_001320756.2, NM_001320757.2 and 1 more transcripts); c.388C>T, p.Leu130Phe (NM_001372029.1, NM_001372030.1); short protein forms L130F, L291F.
Identifiers: ClinVar variation 877442 (VCV000877442.6), dbSNP rs148318181, ClinGen allele CA5450099.

ClinVar aggregate classification (germline): Benign/Likely benign. Review status: criteria provided, multiple submitters, no conflicts (2 of 4 stars). 3 submissions from 3 submitters: Benign (1); Likely benign (2). Last evaluated 2024-10-23.

Conditions:
Thrombocytopenia. Identifiers: MedGen C0040034, MeSH D013921, MONDO:0002049, HP:0001873.

Allele frequency attached by ClinVar (database versions not stated): 1000 Genomes Project 0.00040; 1000 Genomes Project 30x 0.00047; gnomAD 0.00052 and 0.00055; TOPMed 0.00053; gnomAD exomes 0.00057 and 0.00081; ExAC 0.00064; ESP Exome Variant Server 0.00100.

Submissions (3):

Blueprint Genetics
Classification: Likely benign. Last evaluated: 2024-10-23. Review status: criteria provided, single submitter. Criteria: ACMG Guidelines, 2015. Collection method: clinical testing. Allele origin: germline.

Mayo Clinic Laboratories, Mayo Clinic
Classification: Likely benign. Last evaluated: 2024-10-21. Review status: criteria provided, single submitter. Criteria: ACMG Guidelines, 2015. Collection method: clinical testing. Allele origin: germline. Observed: 1 variant allele.
Comment: BS1, PM1_supporting

Illumina Laboratory Services, Illumina
Classification: Benign for Thrombocytopenia. Last evaluated: 2018-01-13. Review status: criteria provided, single submitter. Criteria: ICSL Variant Classification Criteria 13 December 2019. Collection method: clinical testing. Allele origin: germline.
Comment: This variant was observed in the ICSL laboratory as part of a predisposition screen in an ostensibly healthy population. It had not been previously curated by ICSL or reported in the Human Gene Mutation Database (HGMD: prior to June 1st, 2018), and was therefore a candidate for classification through an automated scoring system. Utilizing variant allele frequency, disease prevalence and penetrance estimates, and inheritance mode, an automated score was calculated to assess if this variant is too frequent to cause the disease. Based on the score and internal cut-off values, a variant classified as benign is not then subjected to further curation. The score for this variant resulted in a classification of benign for this disease.